The following is an entry in ClinVar:

NM_014915.3(ANKRD26):c.1696G>T (p.Asp566Tyr)

Gene: ANKRD26 (ankyrin repeat domain 26; minus strand). Cytogenetic location: 10p12.1.
Variant type: single nucleotide variant.
Coding change: c.1696G>T on transcript NM_014915.3 (MANE Select); coding-DNA position 1696, G replaced by T.
Protein change: p.Asp566Tyr; replaces aspartic acid 566 with tyrosine.
Molecular consequence: missense variant.
Genome position (GRCh38, 1-based): chr10:27,048,919, C>A on the plus strand (G>T on the coding strand, the complement: ANKRD26 is on the minus strand). VCF-style: chr10-27048919-C-A. GRCh37 (hg19) VCF-style: chr10-27337848-C-A.
Other names: c.1696G>T, p.Asp566Tyr (NM_001256053.2); short protein forms D566Y.
Identifiers: ClinVar variation 2871703 (VCV002871703.4), dbSNP rs2538896587, ClinGen allele CA376354089.
Genomic context (GRCh38, chr10:27,048,919, plus strand): 5'-TTCTTTTTTGAATTAATCCATCATCATCATCATCATCTTCAGCATCATCAGTAGCACCAT[C>A]ATGTATGTTTGCTGATACTTCCATTTCATTATTTCTGTGTTTTTTCCTTTCTTCTTCAAC-3'
Protein context (NP_055730.2, residues 556-576): NEMEVSANIH[Asp566Tyr]GATDDAEDDD

ClinVar aggregate classification (germline): Uncertain significance. Review status: criteria provided, multiple submitters, no conflicts (2 of 4 stars). 2 submissions from 2 submitters: Uncertain significance (2). Last evaluated 2026-07-21.

Conditions:
Inborn genetic diseases. Identifiers: MedGen C0950123, MeSH D030342.

Submissions (2):

Ambry Genetics
Classification: Uncertain significance for Inborn genetic diseases. Last evaluated: 2026-07-21. Review status: criteria provided, single submitter. Criteria: Ambry Variant Classification Scheme 2023. Collection method: clinical testing. Allele origin: germline.
Comment: The p.D566Y variant (also known as c.1696G>T), located in coding exon 17 of the ANKRD26 gene, results from a G to T substitution at nucleotide position 1696. The aspartic acid at codon 566 is replaced by tyrosine, an amino acid with highly dissimilar properties. This amino acid position is conserved. In addition, this alteration is predicted to be tolerated by in silico analysis. Based on the available evidence, the clinical significance of this variant remains unclear.

Labcorp Genetics (formerly Invitae), Labcorp
Classification: Uncertain significance. Last evaluated: 2023-01-20. Review status: criteria provided, single submitter. Criteria: Invitae Variant Classification Sherloc (09022015). Collection method: clinical testing. Allele origin: germline.
Comment: Algorithms developed to predict the effect of missense changes on protein structure and function are either unavailable or do not agree on the potential impact of this missense change (SIFT: "Tolerated"; PolyPhen-2: "Possibly Damaging"; Align-GVGD: "Class C0"). In summary, the available evidence is currently insufficient to determine the role of this variant in disease. Therefore, it has been classified as a Variant of Uncertain Significance. This variant has not been reported in the literature in individuals affected with ANKRD26-related conditions. This variant is not present in population databases (gnomAD no frequency). This sequence change replaces aspartic acid, which is acidic and polar, with tyrosine, which is neutral and polar, at codon 566 of the ANKRD26 protein (p.Asp566Tyr).